The following is an entry in ClinVar:

NM_000432.4(MYL2):c.357del (p.Arg120fs)

Gene: MYL2 (myosin light chain 2; minus strand). Cytogenetic location: 12q24.11.
Variant type: Deletion.
Coding change: c.357del on transcript NM_000432.4 (MANE Select); coding-DNA position 357, one base deleted (T; older notation c.357delT).
Protein change: p.Arg120fs; shifts the reading frame from arginine 120.
Molecular consequence: frameshift variant.
Genome position (GRCh38, 1-based): chr12:110,913,141, A deleted on the plus strand (T on the coding strand, the reverse complement: MYL2 is on the minus strand); the first of 2 consecutive A bases (chr12:110,913,141-110,913,142); deleting either gives the same sequence. VCF-style (leftmost placement, unchanged base first): chr12-110913140-GA-G. GRCh37 (hg19) VCF-style: chr12-111350944-GA-G.
Other names: c.315del, p.Arg106fs (NM_001406745.1); c.314delT, p.Arg106Glyfs (NM_001406746.1); c.300del, p.Arg101fs (NM_001406916.1); short protein forms R101fs, R106fs, R120fs.
Identifiers: ClinVar variation 3073520 (VCV003073520.1), dbSNP rs2499808296, ClinGen allele CA2825002050.

ClinVar aggregate classification (germline): Uncertain significance (1 of 4 stars; one submission).

Conditions:
Hypertrophic cardiomyopathy. Also called: HYPERTROPHIC MYOCARDIOPATHY. Identifiers: Orphanet 217569, MedGen C0007194, MeSH D002312, MONDO:0005045, HP:0001639.

Submission:

All of Us Research Program, National Institutes of Health
Classification: Uncertain significance for Hypertrophic cardiomyopathy. Last evaluated: 2023-10-02. Review status: criteria provided, single submitter. Criteria: ACMG Guidelines, 2015. Collection method: clinical testing. Allele origin: germline. Inheritance: Autosomal dominant inheritance. Observed: 1 variant allele, 1 heterozygote.
Comment: This variant deletes 1 nucleotide in exon 6 of the MYL2 gene, creating a frameshift and premature translation stop signal. This variant is expected to result in an absent or non-functional protein product. To our knowledge, this variant has not been reported in individuals affected with MYL2-related disorders in the literature. This variant has not been identified in the general population by the Genome Aggregation Database (gnomAD). Clinical relevance of loss-of-function MYL2 truncation variants in autosomal dominant cardiovascular disorders is not clearly established. The available evidence is insufficient to determine the role of this variant in disease conclusively. Therefore, this variant is classified as a Variant of Uncertain Significance.

This study involves interpretation of variants in research participants for the purpose of population health screening. Participant phenotype was not available at the time of variant classification. Additional details can be found in publication PMID: 35346344, PMCID: PMC8962531